The following is an entry in ClinVar:

NM_004415.4(DSP):c.6470A>G (p.Asp2157Gly)

Gene: DSP (desmoplakin; plus strand). Cytogenetic location: 6p24.3.
Variant type: single nucleotide variant.
Coding change: c.6470A>G on transcript NM_004415.4 (MANE Select); coding-DNA position 6470, A replaced by G.
Protein change: p.Asp2157Gly; replaces aspartic acid 2157 with glycine.
Molecular consequence: missense variant.
Genome position (GRCh38, 1-based): chr6:7,583,732, A>G. VCF-style: chr6-7583732-A-G. GRCh37 (hg19) VCF-style: chr6-7583965-A-G.
Other names: c.4673A>G, p.Asp1558Gly (NM_001008844.3); c.5141A>G, p.Asp1714Gly (NM_001319034.2); short protein forms D1558G, D1714G, D2157G.
Identifiers: ClinVar variation 1057696 (VCV001057696.10), dbSNP rs2113700447, ClinGen allele CA362690859.

ClinVar aggregate classification (germline): Uncertain significance. Review status: criteria provided, multiple submitters, no conflicts (2 of 4 stars). 2 submissions from 2 submitters: Uncertain significance (2). Last evaluated 2024-02-22.

Conditions:
Arrhythmogenic cardiomyopathy with wooly hair and keratoderma. Also called: Carvajal syndrome; Dilated cardiomyopathy with woolly hair and keratoderma; Arrhythmogenic cardiomyopathy with woolly hair and keratoderma; PALMOPLANTAR KERATODERMA WITH LEFT VENTRICULAR CARDIOMYOPATHY AND WOOLLY HAIR. Identifiers: Orphanet 65282, MedGen C1854063, MONDO:0011581, OMIM 605676.
Arrhythmogenic right ventricular dysplasia 8 (ARVD8). Also called: Arrhythmogenic Right Ventricular Dysplasia/Cardiomyopathy 8; ARRHYTHMOGENIC RIGHT VENTRICULAR DYSPLASIA, FAMILIAL, 8; ARRHYTHMOGENIC RIGHT VENTRICULAR CARDIOMYOPATHY 8. Identifiers: MedGen C1843896, MONDO:0011831, OMIM 607450.

Submissions (2):

All of Us Research Program, National Institutes of Health
Classification: Uncertain significance for Arrhythmogenic cardiomyopathy with wooly hair and keratoderma. Last evaluated: 2024-02-22. Review status: criteria provided, single submitter. Criteria: ACMG Guidelines, 2015. Collection method: clinical testing. Allele origin: germline. Inheritance: Autosomal dominant inheritance. Observed: 1 variant allele, 1 heterozygote.
Comment: This missense variant replaces aspartic acid with glycine at codon 2157 of the DSP protein. Computational prediction is inconclusive regarding the impact of this variant on protein structure and function (internally defined REVEL score threshold 0.5 < inconclusive < 0.7, PMID: 27666373). To our knowledge, functional studies have not been reported for this variant. This variant has not been reported in individuals affected with DSP-related disorders in the literature. This variant has not been identified in the general population by the Genome Aggregation Database (gnomAD). The available evidence is insufficient to determine the role of this variant in disease conclusively. Therefore, this variant is classified as a Variant of Uncertain Significance.

This study involves interpretation of variants in research participants for the purpose of population health screening. Participant phenotype was not available at the time of variant classification. Additional details can be found in publication PMID: 35346344, PMCID: PMC8962531

Labcorp Genetics (formerly Invitae), Labcorp
Classification: Uncertain significance for Arrhythmogenic cardiomyopathy with wooly hair and keratoderma; Arrhythmogenic right ventricular dysplasia 8. Last evaluated: 2020-08-22. Review status: criteria provided, single submitter. Criteria: Invitae Variant Classification Sherloc (09022015). Collection method: clinical testing. Allele origin: germline.
Comment: This variant has not been reported in the literature in individuals with DSP-related conditions. This variant is not present in population databases (ExAC no frequency). This sequence change replaces aspartic acid with glycine at codon 2157 of the DSP protein (p.Asp2157Gly). The aspartic acid residue is highly conserved and there is a moderate physicochemical difference between aspartic acid and glycine. In summary, the available evidence is currently insufficient to determine the role of this variant in disease. Therefore, it has been classified as a Variant of Uncertain Significance. Algorithms developed to predict the effect of sequence changes on RNA splicing suggest that this variant may create or strengthen a splice site, but this prediction has not been confirmed by published transcriptional studies. Algorithms developed to predict the effect of missense changes on protein structure and function (SIFT, PolyPhen-2, Align-GVGD) all suggest that this variant is likely to be disruptive, but these predictions have not been confirmed by published functional studies and their clinical significance is uncertain.